The following is an entry in ClinVar:

NM_000435.3(NOTCH3):c.5816-9_5816-8delinsGC

Gene: NOTCH3 (notch receptor 3; minus strand). Cytogenetic location: 19p13.12.
Variant type: Indel.
Coding change: c.5816-9_5816-8delinsGC on transcript NM_000435.3 (MANE Select); 9 bases into the intron before coding-DNA position 5816 through 8 bases into the intron before coding-DNA position 5816, AT replaced by GC.
Molecular consequence: intron variant.
Genome position (GRCh38, 1-based): chr19:15,162,570-15,162,571, AT replaced by GC on the plus strand (AT replaced by GC on the coding strand, the reverse complement: NOTCH3 is on the minus strand). VCF-style: chr19-15162570-AT-GC. GRCh37 (hg19) VCF-style: chr19-15273381-AT-GC.
Identifiers: ClinVar variation 4692977 (VCV004692977.1).

ClinVar aggregate classification (germline): Uncertain significance (1 of 4 stars; one submission).

Submission:

Labcorp Genetics (formerly Invitae), Labcorp
Classification: Uncertain significance. Last evaluated: 2025-08-02. Review status: criteria provided, single submitter. Criteria: Invitae Variant Classification Sherloc (09022015). Collection method: clinical testing. Allele origin: germline.
Comment: This sequence change falls in intron 31 of the NOTCH3 gene. It does not directly change the encoded amino acid sequence of the NOTCH3 protein. Information on the frequency of this variant in the gnomAD database is not available, as this variant may be reported differently in the database. This variant has not been reported in the literature in individuals affected with NOTCH3-related conditions. Experimental studies and prediction algorithms are not available or were not evaluated, and the effect of this variant on mRNA splicing is currently unknown. In summary, the available evidence is currently insufficient to determine the role of this variant in disease. Therefore, it has been classified as a Variant of Uncertain Significance.